The following is an entry in ClinVar:

ClinVar aggregate classification (germline): Uncertain significance (1 of 4 stars; one submission).

Submission:

Labcorp Genetics (formerly Invitae), Labcorp
Classification: Uncertain significance. Last evaluated: 2023-03-01. Review status: criteria provided, single submitter. Criteria: Invitae Variant Classification Sherloc (09022015). Collection method: clinical testing. Allele origin: germline.
Comment: This variant is not present in population databases (gnomAD no frequency). This sequence change replaces lysine, which is basic and polar, with glutamic acid, which is acidic and polar, at codon 259 of the RLBP1 protein (p.Lys259Glu). This variant has not been reported in the literature in individuals affected with RLBP1-related conditions. In summary, the available evidence is currently insufficient to determine the role of this variant in disease. Therefore, it has been classified as a Variant of Uncertain Significance. Advanced modeling of protein sequence and biophysical properties (such as structural, functional, and spatial information, amino acid conservation, physicochemical variation, residue mobility, and thermodynamic stability) performed at Invitae indicates that this missense variant is not expected to disrupt RLBP1 protein function.

NM_000326.5(RLBP1):c.775A>G (p.Lys259Glu)

Gene: RLBP1 (retinaldehyde binding protein 1; minus strand). Cytogenetic location: 15q26.1.
Variant type: single nucleotide variant.
Coding change: c.775A>G on transcript NM_000326.5 (MANE Select); coding-DNA position 775, A replaced by G.
Protein change: p.Lys259Glu; replaces lysine 259 with glutamic acid.
Molecular consequence: missense variant.
Genome position (GRCh38, 1-based): chr15:89,210,719, T>C on the plus strand (A>G on the coding strand, the complement: RLBP1 is on the minus strand). VCF-style: chr15-89210719-T-C. GRCh37 (hg19) VCF-style: chr15-89753950-T-C.
Other names: short protein forms K259E.
Identifiers: ClinVar variation 2841984 (VCV002841984.3), dbSNP rs2505855728, ClinGen allele CA393728744.